The following is an entry in ClinVar:

ClinVar aggregate classification (germline): Uncertain significance (1 of 4 stars; one submission).

Allele frequency attached by ClinVar (database versions not stated): gnomAD exomes below 0.00001; ExAC 0.00001; TOPMed 0.00002; ESP Exome Variant Server 0.00008.

Submission:

Labcorp Genetics (formerly Invitae), Labcorp
Classification: Uncertain significance. Last evaluated: 2022-08-16. Review status: criteria provided, single submitter. Criteria: Invitae Variant Classification Sherloc (09022015). Collection method: clinical testing. Allele origin: germline.
Comment: In summary, the available evidence is currently insufficient to determine the role of this variant in disease. Therefore, it has been classified as a Variant of Uncertain Significance. Algorithms developed to predict the effect of missense changes on protein structure and function are either unavailable or do not agree on the potential impact of this missense change (SIFT: "Deleterious"; PolyPhen-2: "Probably Damaging"; Align-GVGD: "Class C0"). ClinVar contains an entry for this variant (Variation ID: 1376978). This variant has not been reported in the literature in individuals affected with MTHFD1-related conditions. This variant is not present in population databases (gnomAD no frequency). This sequence change replaces tyrosine, which is neutral and polar, with cysteine, which is neutral and slightly polar, at codon 348 of the MTHFD1 protein (p.Tyr348Cys).

NM_005956.4(MTHFD1):c.1043A>G (p.Tyr348Cys)

Gene: MTHFD1 (methylenetetrahydrofolate dehydrogenase, cyclohydrolase and formyltetrahydrofolate synthetase 1; plus strand). Cytogenetic location: 14q23.3.
Variant type: single nucleotide variant.
Coding change: c.1043A>G on transcript NM_005956.4 (MANE Select); coding-DNA position 1043, A replaced by G.
Protein change: p.Tyr348Cys; replaces tyrosine 348 with cysteine.
Molecular consequence: missense variant.
Genome position (GRCh38, 1-based): chr14:64,426,108, A>G. VCF-style: chr14-64426108-A-G. GRCh37 (hg19) VCF-style: chr14-64892826-A-G.
Other names: c.1043A>G, p.Tyr348Cys (NM_001364837.1); short protein forms Y348C.
Identifiers: ClinVar variation 1376978 (VCV001376978.5), dbSNP rs150516497, ClinGen allele CA7226106.